The following is an entry in ClinVar:

ClinVar aggregate classification (germline): Conflicting classifications of pathogenicity. Review status: criteria provided, conflicting classifications (1 of 4 stars). 10 submissions from 10 submitters: Uncertain significance (1); Benign (1); Likely benign (6). 2 of the submissions do not count toward it. Last evaluated 2026-07-01.

Conditions:
Inborn genetic diseases. Identifiers: MedGen C0950123, MeSH D030342.
Developmental and epileptic encephalopathy, 12 (DEE12). Identifiers: MedGen C3150988, MONDO:0013389, OMIM 613722.
Microcephaly, seizures, and developmental delay. Identifiers: Orphanet 1934, MedGen C3150667, MONDO:0013254, OMIM 613402.

Allele frequency attached by ClinVar (database versions not stated): gnomAD exomes 0.00014 and 0.00015; ExAC 0.00017; ESP Exome Variant Server 0.00023; gnomAD 0.00044 and 0.00046; 1000 Genomes Project 30x 0.00047; TOPMed 0.00047; 1000 Genomes Project 0.00060.

Submissions (10):

CeGaT Center for Human Genetics Tuebingen
Classification: Likely benign. Last evaluated: 2026-07-01. Review status: criteria provided, single submitter. Criteria: CeGaT Center For Human Genetics Tuebingen Variant Classification Criteria Version 2. Collection method: clinical testing. Allele origin: germline. Affected: yes. Observed: 7 variant alleles.
Comment: PNKP: BP4, BP7

Labcorp Genetics (formerly Invitae), Labcorp
Classification: Likely benign for Developmental and epileptic encephalopathy, 12. Last evaluated: 2026-01-07. Review status: criteria provided, single submitter. Criteria: Invitae Variant Classification Sherloc (09022015). Collection method: clinical testing. Allele origin: germline.

Blueprint Genetics
Classification: Likely benign. Last evaluated: 2024-11-22. Review status: criteria provided, single submitter. Criteria: ACMG Guidelines, 2015. Collection method: clinical testing. Allele origin: germline.

Genetic Services Laboratory, University of Chicago
Classification: Likely benign. Last evaluated: 2019-01-09. Review status: criteria provided, single submitter. Criteria: ACMG Guidelines, 2015. Collection method: clinical testing. Allele origin: germline. Affected: no.

Eurofins Ntd Llc (ga)
Classification: Uncertain significance. Last evaluated: 2017-06-06. Review status: criteria provided, single submitter. Criteria: EGL Classification Definitions 2015. Collection method: clinical testing. Allele origin: germline. Observed: 2 variant alleles, 2 heterozygotes.

Ambry Genetics
Classification: Likely benign for Inborn genetic diseases. Last evaluated: 2017-01-16. Review status: criteria provided, single submitter. Criteria: Ambry Variant Classification Scheme 2023. Collection method: clinical testing. Allele origin: germline.

Clinical Genetics DNA and cytogenetics Diagnostics Lab, Erasmus MC, Erasmus Medical Center
Classification: Likely benign for Microcephaly, seizures, and developmental delay. Last evaluated: 2015-09-21. Review status: criteria provided, single submitter. Criteria: ACGS Guidelines, 2013. Collection method: clinical testing. Allele origin: germline. Affected: yes. Study: VKGL Data-share Consensus.

GeneDx
Classification: Benign. Last evaluated: 2013-04-10. Review status: criteria provided, single submitter. Criteria: GeneDx Variant Classification (06012015). Collection method: clinical testing. Allele origin: germline. Affected: yes.
Comment: This variant is considered likely benign or benign based on one or more of the following criteria: it is a conservative change, it occurs at a poorly conserved position in the protein, it is predicted to be benign by multiple in silico algorithms, and/or has population frequency not consistent with disease.

Diagnostic Laboratory, Department of Genetics, University Medical Center Groningen
Classification: Likely benign for Microcephaly, seizures, and developmental delay. Review status: no assertion criteria provided. Collection method: clinical testing. Allele origin: germline. Affected: yes. Study: VKGL Data-share Consensus. Not counted in ClinVar's aggregate classification.

Genome Diagnostics Laboratory, University Medical Center Utrecht
Classification: Likely benign. Review status: no assertion criteria provided. Collection method: clinical testing. Allele origin: germline. Affected: yes. Study: VKGL Data-share Consensus. Not counted in ClinVar's aggregate classification.

NM_007254.4(PNKP):c.672C>T (p.Arg224=)

Gene: PNKP (polynucleotide kinase 3'-phosphatase; minus strand). Cytogenetic location: 19q13.33.
Variant type: single nucleotide variant.
Coding change: c.672C>T on transcript NM_007254.4 (MANE Select); coding-DNA position 672, C replaced by T.
Protein change: p.Arg224=; no amino-acid change (arginine 224 retained).
Molecular consequence: synonymous variant.
Genome position (GRCh38, 1-based): chr19:49,864,036, G>A on the plus strand (C>T on the coding strand, the complement: PNKP is on the minus strand). VCF-style: chr19-49864036-G-A. GRCh37 (hg19) VCF-style: chr19-50367293-G-A.
Other names: p.R224R:CGC>CGT.
Identifiers: ClinVar variation 138711 (VCV000138711.49), dbSNP rs151180981, ClinGen allele CA292796.